The following is an entry in ClinVar:

NM_138927.4(SON):c.6657+127T>G

Gene: SON (SON DNA and RNA binding protein; plus strand). Cytogenetic location: 21q22.11.
Variant type: single nucleotide variant.
Coding change: c.6657+127T>G on transcript NM_138927.4 (MANE Select); 127 bases into the intron after coding-DNA position 6657, T replaced by G.
Molecular consequence: intron variant. On other transcripts: missense variant (1).
Genome position (GRCh38, 1-based): chr21:33,559,902, T>G. VCF-style: chr21-33559902-T-G. GRCh37 (hg19) VCF-style: chr21-34932208-T-G.
Other names: c.6683T>G, p.Val2228Gly (NM_032195.3); c.741+127T>G (NM_001291412.3); short protein forms V2228G.
Identifiers: ClinVar variation 2629726 (VCV002629726.1), dbSNP rs1601280666, ClinGen allele CA410119553.
Genomic context (GRCh38, chr21:33,559,902, plus strand): 5'-TATGTCTGATTTGGATTCTGTTTCACTCTTCTTAGGGCCGGGTTAAACGGCAGGGCCGGG[T>G]TAGACGACAGATGAAACAACCCGCAGCTTCTCATTTGACAGTAACTCGATGCAATTCACT-3'

ClinVar aggregate classification (germline): Uncertain significance (1 of 4 stars; one submission).

Conditions:
SON-related disorder. Also called: SON-related condition.

Allele frequency attached by ClinVar (database versions not stated): TOPMed below 0.00001.

Submission:

PreventionGenetics, part of Exact Sciences
Classification: Uncertain significance for SON-related condition. Last evaluated: 2023-01-12. Review status: criteria provided, single submitter. Criteria: ACMG Guidelines, 2015. Collection method: clinical testing. Allele origin: germline.
Comment: The SON c.6683T>G variant is predicted to result in the amino acid substitution p.Val2228Gly. To our knowledge, this variant has not been reported in the literature or in a large population database, indicating this variant is rare. At this time, the clinical significance of this variant is uncertain due to the absence of conclusive functional and genetic evidence.